The following is an entry in ClinVar:

ClinVar aggregate classification (germline): Uncertain significance. Review status: criteria provided, multiple submitters, no conflicts (2 of 4 stars). 2 submissions from 2 submitters: Uncertain significance (2). Last evaluated 2025-03-10.

Allele frequency attached by ClinVar (database versions not stated): TOPMed 0.00002.

Submissions (2):

Ambry Genetics
Classification: Uncertain significance. Last evaluated: 2025-03-10. Review status: criteria provided, single submitter. Criteria: Ambry Variant Classification Scheme 2023. Collection method: clinical testing. Allele origin: germline.

GeneDx
Classification: Uncertain significance. Last evaluated: 2023-03-20. Review status: criteria provided, single submitter. Criteria: GeneDx Variant Classification Process June 2021. Collection method: clinical testing. Allele origin: germline. Affected: yes.
Comment: Not observed at significant frequency in large population cohorts (gnomAD); In silico analysis supports that this missense variant has a deleterious effect on protein structure/function; Has not been previously published as pathogenic or benign to our knowledge

NM_003571.4(BFSP2):c.683A>G (p.Glu228Gly)

Genes: BFSP2 (beaded filament structural protein 2; plus strand), BFSP2-AS1 (BFSP2 antisense RNA 1; minus strand). Cytogenetic location: 3q22.1.
Variant type: single nucleotide variant.
Coding change: c.683A>G on transcript NM_003571.4 (MANE Select); coding-DNA position 683, A replaced by G.
Protein change: p.Glu228Gly; replaces glutamic acid 228 with glycine.
Molecular consequence: missense variant.
Genome position (GRCh38, 1-based): chr3:133,448,599, A>G. VCF-style: chr3-133448599-A-G. GRCh37 (hg19) VCF-style: chr3-133167443-A-G.
Other names: c.683A>G (NM_003571.2); short protein forms E228G.
Identifiers: ClinVar variation 2580545 (VCV002580545.2), dbSNP rs754287032, ClinGen allele CA354595389.